The following is an entry in ClinVar:

NM_001079802.2(FKTN):c.1172+15A>G

Gene: FKTN (fukutin; plus strand). Cytogenetic location: 9q31.2.
Variant type: single nucleotide variant.
Coding change: c.1172+15A>G on transcript NM_001079802.2 (MANE Select); 15 bases into the intron after coding-DNA position 1172, A replaced by G.
Molecular consequence: intron variant. On other transcripts: missense variant (1).
Genome position (GRCh38, 1-based): chr9:105,620,076, A>G. VCF-style: chr9-105620076-A-G. GRCh37 (hg19) VCF-style: chr9-108382357-A-G.
Other names: c.1187A>G, p.Lys396Arg (NM_001351498.2); c.1172+15A>G (NM_006731.2, NM_001351496.2, NM_001198963.2); c.776+15A>G (NM_001351502.2, NM_001351499.2, NM_001351500.2 and 1 more transcripts); c.1103+15A>G (NM_001351497.2); short protein forms K396R.
Identifiers: ClinVar variation 2187029 (VCV002187029.2), dbSNP rs776723808, ClinGen allele CA5170578.

ClinVar aggregate classification (germline): Uncertain significance (1 of 4 stars; one submission).

Conditions:
Walker-Warburg congenital muscular dystrophy. Also called: Muscular dystrophy-dystroglycanopathy, type A; Walker-Warburg syndrome. Identifiers: Orphanet 899, MedGen C0265221, MONDO:0000171.

Allele frequency attached by ClinVar (database versions not stated): ExAC 0.00001; gnomAD exomes 0.00001.
gnomAD v4.1: 3 of 1,601,230 alleles (0.00019%); highest among the groups gnomAD compares: Non-Finnish European, 0.00026%; no homozygotes.

Submission:

Labcorp Genetics (formerly Invitae), Labcorp
Classification: Uncertain significance for Walker-Warburg congenital muscular dystrophy. Last evaluated: 2023-08-22. Review status: criteria provided, single submitter. Criteria: Invitae Variant Classification Sherloc (09022015). Collection method: clinical testing. Allele origin: germline.
Comment: In summary, the available evidence is currently insufficient to determine the role of this variant in disease. Therefore, it has been classified as a Variant of Uncertain Significance. Algorithms developed to predict the effect of sequence changes on RNA splicing suggest that this variant may disrupt the consensus splice site. ClinVar contains an entry for this variant (Variation ID: 2187029). This variant has not been reported in the literature in individuals affected with FKTN-related conditions. This variant is present in population databases (rs776723808, gnomAD 0.0009%). This sequence change falls in intron 10 of the FKTN gene. It does not directly change the encoded amino acid sequence of the FKTN protein.